The following is an entry in ClinVar:

NM_015474.4(SAMHD1):c.1271-2A>C

Gene: SAMHD1 (SAM and HD domain containing deoxynucleoside triphosphate triphosphohydrolase 1; minus strand). Cytogenetic location: 20q11.23.
Variant type: single nucleotide variant.
Coding change: c.1271-2A>C on transcript NM_015474.4 (MANE Select); the canonical splice acceptor site of the intron before coding-DNA position 1271, A replaced by C.
Molecular consequence: splice acceptor variant.
Genome position (GRCh38, 1-based): chr20:36,905,505, T>G on the plus strand (A>C on the coding strand, the complement: SAMHD1 is on the minus strand). VCF-style: chr20-36905505-T-G. GRCh37 (hg19) VCF-style: chr20-35533908-T-G.
Other names: c.1271-2A>C (NM_001363729.2, NM_001363733.2).
Identifiers: ClinVar variation 2057367 (VCV002057367.4), dbSNP rs1473874262, ClinGen allele CA408842653.

ClinVar aggregate classification (germline): Likely pathogenic (1 of 4 stars; one submission).

Conditions:
Aicardi-Goutieres syndrome 5. Identifiers: Orphanet 51, MedGen C2749659, MONDO:0013059, OMIM 612952.

Allele frequency attached by ClinVar (database versions not stated): TOPMed below 0.00001; gnomAD 0.00001.
gnomAD v4.1: 1 of 1,600,208 alleles (0.000062%); highest among the groups gnomAD compares: African/African-American, 0.0013%; no homozygotes.

Submission:

Labcorp Genetics (formerly Invitae), Labcorp
Classification: Likely pathogenic for Aicardi-Goutieres syndrome 5. Last evaluated: 2024-02-19. Review status: criteria provided, single submitter. Criteria: Invitae Variant Classification Sherloc (09022015). Collection method: clinical testing. Allele origin: germline.
Comment: This sequence change affects an acceptor splice site in intron 11 of the SAMHD1 gene. It is expected to disrupt RNA splicing. Variants that disrupt the donor or acceptor splice site typically lead to a loss of protein function (PMID: 16199547), and loss-of-function variants in SAMHD1 are known to be pathogenic (PMID: 19525956, 22461318). This variant is not present in population databases (gnomAD no frequency). This variant has not been reported in the literature in individuals affected with SAMHD1-related conditions. ClinVar contains an entry for this variant (Variation ID: 2057367). Algorithms developed to predict the effect of sequence changes on RNA splicing suggest that this variant may disrupt the consensus splice site. In summary, the currently available evidence indicates that the variant is pathogenic, but additional data are needed to prove that conclusively. Therefore, this variant has been classified as Likely Pathogenic.

Literature cited by the submitters: PubMed 16199547; PubMed 19525956; PubMed 22461318.